The following is an entry in ClinVar:

NM_138713.4(NFAT5):c.4084T>G (p.Ser1362Ala)

Gene: NFAT5 (nuclear factor of activated T cells 5; plus strand). Cytogenetic location: 16q22.1.
Variant type: single nucleotide variant.
Coding change: c.4084T>G on transcript NM_138713.4 (MANE Select); coding-DNA position 4084, T replaced by G.
Protein change: p.Ser1362Ala; replaces serine 1362 with alanine.
Molecular consequence: missense variant.
Genome position (GRCh38, 1-based): chr16:69,693,909, T>G. VCF-style: chr16-69693909-T-G. GRCh37 (hg19) VCF-style: chr16-69727812-T-G.
Other names: c.4081T>G, p.Ser1361Ala (NM_001113178.3); c.3409T>G, p.Ser1137Ala (NM_001367709.1); c.4030T>G, p.Ser1344Ala (NM_006599.4); c.3802T>G, p.Ser1268Ala (NM_138714.4, NM_173214.3, NM_173215.3); short protein forms S1137A, S1268A, S1344A, S1362A, S1361A.
Identifiers: ClinVar variation 1351823 (VCV001351823.6), dbSNP rs2151723697, ClinGen allele CA396514886.

ClinVar aggregate classification (germline): Uncertain significance (1 of 4 stars; one submission).

Conditions:
Immunodeficiency. Identifiers: MedGen C0021051, MONDO:0021094, HP:0002721.

Submission:

Labcorp Genetics (formerly Invitae), Labcorp
Classification: Uncertain significance for Immunodeficiency. Last evaluated: 2021-11-15. Review status: criteria provided, single submitter. Criteria: Invitae Variant Classification Sherloc (09022015). Collection method: clinical testing. Allele origin: germline.
Comment: Algorithms developed to predict the effect of missense changes on protein structure and function output the following: SIFT: "Tolerated"; PolyPhen-2: "Benign"; Align-GVGD: "Class C0". The alanine amino acid residue is found in multiple mammalian species, which suggests that this missense change does not adversely affect protein function. In summary, the available evidence is currently insufficient to determine the role of this variant in disease. Therefore, it has been classified as a Variant of Uncertain Significance. This variant has not been reported in the literature in individuals affected with NFAT5-related conditions. This variant is not present in population databases (gnomAD no frequency). This sequence change replaces serine, which is neutral and polar, with alanine, which is neutral and non-polar, at codon 1268 of the NFAT5 protein (p.Ser1268Ala).